The following is an entry in ClinVar:

ClinVar aggregate classification (germline): Uncertain significance (1 of 4 stars; one submission).

Conditions:
Familial hypobetalipoproteinemia 1. Also called: APOB-Related Familial Hypobetalipoproteinemia; Hypobetalipoproteinemia, normotriglyceridemic; Acanthocytosis with hypobetalipoproteinemia. Identifiers: MedGen C4551990, MONDO:0014252, OMIM 615558.
Hypercholesterolemia, autosomal dominant, type B (FHCL2). Also called: Familial Hypercholesterolemia Type B; APOLIPOPROTEIN B-100, FAMILIAL DEFECTIVE; APOLIPOPROTEIN B-100, FAMILIAL LIGAND-DEFECTIVE; HYPERCHOLESTEROLEMIA, FAMILIAL, DUE TO LIGAND-DEFECTIVE APOLIPOPROTEIN B; Familial hypercholesterolemia 2; Hyperlipoproteinemia Type IIb. Identifiers: MedGen C1704417, MONDO:0007751, OMIM 144010.

Submission:

Labcorp Genetics (formerly Invitae), Labcorp
Classification: Uncertain significance for Familial hypobetalipoproteinemia 1; Hypercholesterolemia, autosomal dominant, type B. Last evaluated: 2021-08-19. Review status: criteria provided, single submitter. Criteria: Invitae Variant Classification Sherloc (09022015). Collection method: clinical testing. Allele origin: germline.
Comment: Algorithms developed to predict the effect of missense changes on protein structure and function output the following: SIFT: "Tolerated"; PolyPhen-2: "Benign"; Align-GVGD: "Class C0". The glycine amino acid residue is found in multiple mammalian species, which suggests that this missense change does not adversely affect protein function. In summary, the available evidence is currently insufficient to determine the role of this variant in disease. Therefore, it has been classified as a Variant of Uncertain Significance. Algorithms developed to predict the effect of sequence changes on RNA splicing suggest that this variant may create or strengthen a splice site. This variant has not been reported in the literature in individuals affected with APOB-related conditions. This variant is not present in population databases (ExAC no frequency). This sequence change replaces aspartic acid with glycine at codon 3540 of the APOB protein (p.Asp3540Gly). The aspartic acid residue is weakly conserved and there is a moderate physicochemical difference between aspartic acid and glycine.

NM_000384.3(APOB):c.10619A>G (p.Asp3540Gly)

Gene: APOB (apolipoprotein B; minus strand). Cytogenetic location: 2p24.1.
Variant type: single nucleotide variant.
Coding change: c.10619A>G on transcript NM_000384.3 (MANE Select); coding-DNA position 10619, A replaced by G.
Protein change: p.Asp3540Gly; replaces aspartic acid 3540 with glycine.
Molecular consequence: missense variant.
Genome position (GRCh38, 1-based): chr2:21,006,249, T>C on the plus strand (A>G on the coding strand, the complement: APOB is on the minus strand). VCF-style: chr2-21006249-T-C. GRCh37 (hg19) VCF-style: chr2-21229121-T-C.
Other names: short protein forms D3540G.
Identifiers: ClinVar variation 1416441 (VCV001416441.8), dbSNP rs2103351629, ClinGen allele CA345985894.